The following is an entry in ClinVar:

NM_000722.4(CACNA2D1):c.1944C>G (p.Phe648Leu)

Gene: CACNA2D1 (calcium voltage-gated channel auxiliary subunit alpha2delta 1; minus strand). Cytogenetic location: 7q21.11.
Variant type: single nucleotide variant.
Coding change: c.1944C>G on transcript NM_000722.4 (MANE Select); coding-DNA position 1944, C replaced by G.
Protein change: p.Phe648Leu; replaces phenylalanine 648 with leucine.
Molecular consequence: missense variant.
Genome position (GRCh38, 1-based): chr7:81,982,578, G>C on the plus strand (C>G on the coding strand, the complement: CACNA2D1 is on the minus strand). VCF-style: chr7-81982578-G-C. GRCh37 (hg19) VCF-style: chr7-81611894-G-C.
Other names: p.Phe648Leu; c.1980C>G, p.Phe660Leu (NM_001366867.1); short protein forms F660L, F648L.
Identifiers: ClinVar variation 4541296 (VCV004541296.1).

ClinVar aggregate classification (germline): Uncertain significance (1 of 4 stars; one submission).

Submission:

Mayo Clinic Laboratories, Mayo Clinic
Classification: Uncertain significance. Last evaluated: 2025-11-27. Review status: criteria provided, single submitter. Criteria: ACMG Guidelines, 2015. Collection method: clinical testing. Allele origin: germline. Observed: 1 variant allele.
Comment: BP4_moderate, PM2_supporting